The following is an entry in ClinVar:

ClinVar aggregate classification (germline): Uncertain significance. Review status: criteria provided, multiple submitters, no conflicts (2 of 4 stars). 2 submissions from 2 submitters: Uncertain significance (2). Last evaluated 2024-03-21.

Conditions:
Spastic paraplegia. Identifiers: MedGen C0037772, HP:0001258.

Allele frequency attached by ClinVar (database versions not stated): gnomAD exomes below 0.00001; gnomAD 0.00001; TOPMed 0.00001.
gnomAD v4.1: 6 of 1,613,724 alleles (0.00037%); highest among the groups gnomAD compares: East Asian, 0.0022%; no homozygotes.

Submissions (2):

Labcorp Genetics (formerly Invitae), Labcorp
Classification: Uncertain significance for Spastic paraplegia. Last evaluated: 2024-03-21. Review status: criteria provided, single submitter. Criteria: Invitae Variant Classification Sherloc (09022015). Collection method: clinical testing. Allele origin: germline.
Comment: This sequence change replaces arginine, which is basic and polar, with cysteine, which is neutral and slightly polar, at codon 617 of the KIF5A protein (p.Arg617Cys). This variant is present in population databases (rs202045039, gnomAD 0.0009%). This variant has not been reported in the literature in individuals affected with KIF5A-related conditions. ClinVar contains an entry for this variant (Variation ID: 450339). Advanced modeling of protein sequence and biophysical properties (such as structural, functional, and spatial information, amino acid conservation, physicochemical variation, residue mobility, and thermodynamic stability) performed at Invitae indicates that this missense variant is not expected to disrupt KIF5A protein function with a negative predictive value of 95%. In summary, the available evidence is currently insufficient to determine the role of this variant in disease. Therefore, it has been classified as a Variant of Uncertain Significance.

GeneDx
Classification: Uncertain significance. Last evaluated: 2017-07-10. Review status: criteria provided, single submitter. Criteria: GeneDx Variant Classification (06012015). Collection method: clinical testing. Allele origin: germline. Affected: yes.
Comment: A variant of uncertain significance has been identified in the KIF5A gene. The R617C variant has not been published as a pathogenic variant, nor has it been reported as a benign variant to our knowledge. The R617C variant is not observed in large population cohorts (Lek et al., 2016; 1000 Genomes Consortium et al., 2015; Exome Variant Server). The R617C variant is a non-conservative amino acid substitution, which is likely to impact secondary protein structure as these residues differ in polarity, charge, size and/or other properties. This substitution occurs at a position that is conserved across species and in silico analysis predicts this variant is probably damaging to the protein structure/function. However, missense variants in nearby residues have not been reported in Human Gene Mutation Database in association with KIF5A-related disorders (Stenson et al., 2014). Therefore, based on the currently available information, it is unclear whether this variant is a pathogenic variant or a rare benign variant.

NM_004984.4(KIF5A):c.1849C>T (p.Arg617Cys)

Gene: KIF5A (kinesin family member 5A; plus strand). Cytogenetic location: 12q13.3.
Variant type: single nucleotide variant.
Coding change: c.1849C>T on transcript NM_004984.4 (MANE Select); coding-DNA position 1849, C replaced by T.
Protein change: p.Arg617Cys; replaces arginine 617 with cysteine.
Molecular consequence: missense variant.
Genome position (GRCh38, 1-based): chr12:57,575,216, C>T. VCF-style: chr12-57575216-C-T. GRCh37 (hg19) VCF-style: chr12-57968999-C-T.
Other names: c.1582C>T, p.Arg528Cys (NM_001354705.2); short protein forms R617C, R528C.
Identifiers: ClinVar variation 450339 (VCV000450339.4), dbSNP rs202045039, ClinGen allele CA237786656.